The following is an entry in ClinVar:

ClinVar aggregate classification (germline): Likely pathogenic (1 of 4 stars; one submission).

Conditions:
Hereditary breast ovarian cancer syndrome. Also called: Breast and ovarian cancer; BRCA1- and BRCA2-Associated Hereditary Breast and Ovarian Cancer; Hereditary breast and ovarian cancer syndrome; Hereditary breast and ovarian cancer; Hereditary breast and ovarian cancer syndrome (HBOC); Hereditary breast and/or ovarian cancer syndrome. Identifiers: Orphanet 145, MedGen C0677776, MeSH D061325, MONDO:0003582. Disease mechanism: loss of function.

Submission:

Labcorp Genetics (formerly Invitae), Labcorp
Classification: Likely pathogenic for Hereditary breast ovarian cancer syndrome. Last evaluated: 2022-04-29. Review status: criteria provided, single submitter. Criteria: Invitae Variant Classification Sherloc (09022015). Collection method: clinical testing. Allele origin: germline.
Comment: In summary, the currently available evidence indicates that the variant is pathogenic, but additional data are needed to prove that conclusively. Therefore, this variant has been classified as Likely Pathogenic. This variant disrupts the p.Gly2724 amino acid residue in BRCA2. Other variant(s) that disrupt this residue have been determined to be pathogenic (Invitae; external communication). This suggests that this residue is clinically significant, and that variants that disrupt this residue are likely to be disease-causing. Algorithms developed to predict the effect of sequence changes on RNA splicing suggest that this variant may create or strengthen a splice site. Advanced modeling of protein sequence and biophysical properties (such as structural, functional, and spatial information, amino acid conservation, physicochemical variation, residue mobility, and thermodynamic stability) performed at Invitae indicates that this missense variant is expected to disrupt BRCA2 protein function. This variant has not been reported in the literature in individuals affected with BRCA2-related conditions. This variant is not present in population databases (gnomAD no frequency). This sequence change replaces glycine, which is neutral and non-polar, with arginine, which is basic and polar, at codon 2724 of the BRCA2 protein (p.Gly2724Arg).

NM_000059.4(BRCA2):c.8170G>A (p.Gly2724Arg)

Gene: BRCA2 (BRCA2 DNA repair associated; plus strand). Cytogenetic location: 13q13.1.
Variant type: single nucleotide variant.
Coding change: c.8170G>A on transcript NM_000059.4 (MANE Select); coding-DNA position 8170, G replaced by A.
Protein change: p.Gly2724Arg; replaces glycine 2724 with arginine.
Molecular consequence: missense variant.
Genome position (GRCh38, 1-based): chr13:32,363,372, G>A. VCF-style: chr13-32363372-G-A. GRCh37 (hg19) VCF-style: chr13-32937509-G-A.
Other names: c.8074G>A, p.Gly2692Arg (NM_001406719.1); c.8170G>A, p.Gly2724Arg (NM_001406720.1); c.3238G>A, p.Gly1080Arg (NM_001406721.1); c.1753G>A, p.Gly585Arg (NM_001406722.1); short protein forms G1080R, G2692R, G585R, G2724R.
Identifiers: ClinVar variation 2058629 (VCV002058629.4), dbSNP rs1057521184, ClinGen allele CA387749597.
Genomic context (GRCh38, chr13:32,363,372, plus strand): 5'-TCTAGCAATAAAACTAGTAGTGCAGATACCCAAAAAGTGGCCATTATTGAACTTACAGAT[G>A]GGTGGTATGCTGTTAAGGCCCAGTTAGATCCTCCCCTCTTAGCTGTCTTAAAGAATGGCA-3'
Protein context (NP_000050.3, residues 2714-2734): QKVAIIELTD[Gly2724Arg]WYAVKAQLDP